The following is an entry in ClinVar:

NM_001379200.1(TBX1):c.1247C>T (p.Ala416Val)

Gene: TBX1 (T-box transcription factor 1; plus strand). Cytogenetic location: 22q11.21.
Variant type: single nucleotide variant.
Coding change: c.1247C>T on transcript NM_001379200.1 (MANE Select); coding-DNA position 1247, C replaced by T.
Protein change: p.Ala416Val; replaces alanine 416 with valine.
Molecular consequence: missense variant. On other transcripts: intron variant (2).
Genome position (GRCh38, 1-based): chr22:19,766,599, C>T. VCF-style: chr22-19766599-C-T. GRCh37 (hg19) VCF-style: chr22-19754122-C-T.
Other names: c.1220C>T, p.Ala407Val (NM_080647.1); c.1009+597C>T (NM_005992.1, NM_080646.2); short protein forms A416V, A407V.
Identifiers: ClinVar variation 1752941 (VCV001752941.6), dbSNP rs1936857754, ClinGen allele CA410684685.

ClinVar aggregate classification (germline): Uncertain significance. Review status: criteria provided, multiple submitters, no conflicts (2 of 4 stars). 2 submissions from 2 submitters: Uncertain significance (2). Last evaluated 2025-10-29.

Conditions:
Cardiovascular phenotype. Identifiers: MedGen CN230736.
DiGeorge syndrome. Also called: THIRD AND FOURTH PHARYNGEAL POUCH SYNDROME; Catch22. Identifiers: Orphanet 567, MedGen C0012236, MONDO:0008564, OMIM 188400.

Allele frequency attached by ClinVar (database versions not stated): gnomAD exomes below 0.00001; TOPMed below 0.00001.

Submissions (2):

Ambry Genetics
Classification: Uncertain significance for Cardiovascular phenotype. Last evaluated: 2025-10-29. Review status: criteria provided, single submitter. Criteria: Ambry Variant Classification Scheme 2023. Collection method: clinical testing. Allele origin: germline.

Labcorp Genetics (formerly Invitae), Labcorp
Classification: Uncertain significance for DiGeorge syndrome. Last evaluated: 2023-01-15. Review status: criteria provided, single submitter. Criteria: Invitae Variant Classification Sherloc (09022015). Collection method: clinical testing. Allele origin: germline.
Comment: In summary, the available evidence is currently insufficient to determine the role of this variant in disease. Therefore, it has been classified as a Variant of Uncertain Significance. Algorithms developed to predict the effect of missense changes on protein structure and function (SIFT, PolyPhen-2, Align-GVGD) all suggest that this variant is likely to be tolerated. ClinVar contains an entry for this variant (Variation ID: 1752941). This variant has not been reported in the literature in individuals affected with TBX1-related conditions. This variant is not present in population databases (gnomAD no frequency). This sequence change replaces alanine, which is neutral and non-polar, with valine, which is neutral and non-polar, at codon 407 of the TBX1 protein (p.Ala407Val).